The following is an entry in ClinVar:

NM_000143.4(FH):c.1273G>A (p.Asp425Asn)

Gene: FH (fumarate hydratase; minus strand). Cytogenetic location: 1q43.
Variant type: single nucleotide variant.
Coding change: c.1273G>A on transcript NM_000143.4 (MANE Select); coding-DNA position 1273, G replaced by A.
Protein change: p.Asp425Asn; replaces aspartic acid 425 with asparagine.
Molecular consequence: missense variant.
Genome position (GRCh38, 1-based): chr1:241,500,554, C>T on the plus strand (G>A on the coding strand, the complement: FH is on the minus strand). VCF-style: chr1-241500554-C-T. GRCh37 (hg19) VCF-style: chr1-241663854-C-T.
Other names: short protein forms D425N.
Identifiers: ClinVar variation 2987769 (VCV002987769.4), dbSNP rs1228511377, ClinGen allele CA345436818.
Genomic context (GRCh38, chr1:241,500,554, plus strand): 5'-TCCTTTCTGTATTGGCCTGGATTCCCACCACGCAGTTTTCTGTAAAGGAAACTGAAGCAT[C>T]CCCCAGCAGCCTGGCTGAGTGTAACACATTTTTAATCTTTGAGTGAGTGAGAGAGAGAGA-3'
Protein context (NP_000134.2, residues 415-435): NVLHSARLLG[Asp425Asn]ASVSFTENCV

ClinVar aggregate classification (germline): Conflicting classifications of pathogenicity. Review status: criteria provided, conflicting classifications (1 of 4 stars). 2 submissions from 2 submitters: Likely pathogenic (1); Uncertain significance (1). Last evaluated 2024-11-13.

Conditions:
Hereditary cancer-predisposing syndrome. Also called: Tumor predisposition; Hereditary neoplastic syndrome; Hereditary Cancer Syndrome; Neoplastic Syndromes, Hereditary. Identifiers: Orphanet 140162, MedGen C0027672, MeSH D009386, MONDO:0015356.

Allele frequency attached by ClinVar (database versions not stated): gnomAD exomes below 0.00001.
gnomAD v4.1: 2 of 1,611,794 alleles (0.00012%); highest among the groups gnomAD compares: East Asian, 0.0022%; no homozygotes.

Submissions (2):

Ambry Genetics
Classification: Uncertain significance for Hereditary cancer-predisposing syndrome. Last evaluated: 2024-11-13. Review status: criteria provided, single submitter. Criteria: Ambry Variant Classification Scheme 2023. Collection method: clinical testing. Allele origin: germline.
Comment: The p.D425N variant (also known as c.1273G>A), located in coding exon 9 of the FH gene, results from a G to A substitution at nucleotide position 1273. The aspartic acid at codon 425 is replaced by asparagine, an amino acid with highly similar properties. This amino acid position is highly conserved in available vertebrate species. In addition, the in silico prediction for this alteration is inconclusive. Based on the available evidence, the clinical significance of this variant remains unclear.

Labcorp Genetics (formerly Invitae), Labcorp
Classification: Likely pathogenic. Last evaluated: 2023-12-05. Review status: criteria provided, single submitter. Criteria: Invitae Variant Classification Sherloc (09022015). Collection method: clinical testing. Allele origin: germline.
Comment: This sequence change replaces aspartic acid, which is acidic and polar, with asparagine, which is neutral and polar, at codon 425 of the FH protein (p.Asp425Asn). This variant is present in population databases (no rsID available, gnomAD 0.006%). This variant has not been reported in the literature in individuals affected with FH-related conditions. Advanced modeling of protein sequence and biophysical properties (such as structural, functional, and spatial information, amino acid conservation, physicochemical variation, residue mobility, and thermodynamic stability) performed at Invitae indicates that this missense variant is expected to disrupt FH protein function with a positive predictive value of 95%. This variant disrupts the p.Asp425 amino acid residue in FH. Other variant(s) that disrupt this residue have been determined to be pathogenic (PMID: 9635293). This suggests that this residue is clinically significant, and that variants that disrupt this residue are likely to be disease-causing. In summary, the currently available evidence indicates that the variant is pathogenic, but additional data are needed to prove that conclusively. Therefore, this variant has been classified as Likely Pathogenic.

Literature cited by the submitters: PubMed 9635293 (cited by Labcorp Genetics (formerly Invitae), Labcorp).